The following is an entry in ClinVar:

NM_152281.3(GORAB):c.-50T>G

Genes: GORAB (golgin, RAB6 interacting; plus strand), GORAB-AS1 (GORAB antisense RNA 1; minus strand). Cytogenetic location: 1q24.2.
Variant type: single nucleotide variant.
Coding change: c.-50T>G on transcript NM_152281.3 (MANE Select); 50 bases upstream of the start codon, T replaced by G.
Molecular consequence: 5 prime UTR variant. On other transcripts: non-coding transcript variant (1).
Genome position (GRCh38, 1-based): chr1:170,532,174, T>G. VCF-style: chr1-170532174-T-G. GRCh37 (hg19) VCF-style: chr1-170501315-T-G.
Other names: c.-50T>G (NM_001146039.2, NM_001410894.1); c.-815T>G (NM_001320252.2).
Identifiers: ClinVar variation 1936483 (VCV001936483.2), dbSNP rs1367196824, ClinGen allele CA343159928.

ClinVar aggregate classification (germline): Uncertain significance (1 of 4 stars; one submission).

Submission:

Labcorp Genetics (formerly Invitae), Labcorp
Classification: Uncertain significance. Last evaluated: 2022-08-22. Review status: criteria provided, single submitter. Criteria: Invitae Variant Classification Sherloc (09022015). Collection method: clinical testing. Allele origin: germline.
Comment: This sequence change replaces valine, which is neutral and non-polar, with glycine, which is neutral and non-polar, at codon 9 of the GORAB protein (p.Val9Gly). This variant is not present in population databases (gnomAD no frequency). This variant has not been reported in the literature in individuals affected with GORAB-related conditions. Algorithms developed to predict the effect of missense changes on protein structure and function are either unavailable or do not agree on the potential impact of this missense change (SIFT: "Deleterious"; PolyPhen-2: "Possibly Damaging"; Align-GVGD: "Class C0"). In summary, the available evidence is currently insufficient to determine the role of this variant in disease. Therefore, it has been classified as a Variant of Uncertain Significance.